The following is an entry in ClinVar:

ClinVar aggregate classification (germline): Benign/Likely benign. Review status: criteria provided, multiple submitters, no conflicts (2 of 4 stars). 3 submissions from 2 submitters: Benign (2); Likely benign (1). Last evaluated 2018-01-13.

Conditions:
Leber congenital amaurosis 14 (LCA14). Identifiers: MedGen C2750063, MONDO:0013231, OMIM 613341.
Retinitis pigmentosa (RP). Identifiers: Orphanet 791, MedGen C0035334, MeSH D012174, MONDO:0019200, OMIM 268000. Inheritance: Autosomal dominant, autosomal recessive and X linked inheritance.

Allele frequency attached by ClinVar (database versions not stated): gnomAD exomes 0.08333; gnomAD 0.13064 and 0.13276; TOPMed 0.14285; 1000 Genomes Project 0.17093; 1000 Genomes Project 30x 0.17879.
gnomAD v4.1: 19,797 of 149,432 alleles (13%); highest among the groups gnomAD compares: Admixed American, 27%; 1,728 homozygotes.

Submissions (3):

Illumina Laboratory Services, Illumina
Classification: Benign for Retinitis pigmentosa. Last evaluated: 2018-01-13. Review status: criteria provided, single submitter. Criteria: ICSL Variant Classification Criteria 13 December 2019. Collection method: clinical testing. Allele origin: germline.
Comment: This variant was observed in the ICSL laboratory as part of a predisposition screen in an ostensibly healthy population. It had not been previously curated by ICSL or reported in the Human Gene Mutation Database (HGMD: prior to June 1st, 2018), and was therefore a candidate for classification through an automated scoring system. Utilizing variant allele frequency, disease prevalence and penetrance estimates, and inheritance mode, an automated score was calculated to assess if this variant is too frequent to cause the disease. Based on the score and internal cut-off values, a variant classified as benign is not then subjected to further curation. The score for this variant resulted in a classification of benign for this disease.

Illumina Laboratory Services, Illumina
Classification: Benign for Leber congenital amaurosis 14. Last evaluated: 2018-01-13. Review status: criteria provided, single submitter. Criteria: ICSL Variant Classification Criteria 13 December 2019. Collection method: clinical testing. Allele origin: germline.
Comment: the same text as in the submission from Illumina Laboratory Services, Illumina above.

Breakthrough Genomics
Classification: Likely benign. Review status: criteria provided, single submitter. Criteria: ACMG Guidelines, 2015. Collection method: not provided. Allele origin: germline. Inheritance: Autosomal recessive inheritance. Affected: yes.

NM_004744.5(LRAT):c.*2670G>T

Gene: LRAT (lecithin retinol acyltransferase; plus strand). Cytogenetic location: 4q32.1.
Variant type: single nucleotide variant.
Coding change: c.*2670G>T on transcript NM_004744.5 (MANE Select); 2670 bases downstream of the stop codon, G replaced by T.
Molecular consequence: 3 prime UTR variant.
Genome position (GRCh38, 1-based): chr4:154,751,806, G>T. VCF-style: chr4-154751806-G-T. GRCh37 (hg19) VCF-style: chr4-155672958-G-T.
Other names: c.*2670G>T (NM_001301645.2).
Identifiers: ClinVar variation 347879 (VCV000347879.7), dbSNP rs17032000, ClinGen allele CA10620290.